The following is an entry in ClinVar:

NM_003504.5(CDC45):c.454G>C (p.Glu152Gln)

Gene: CDC45 (cell division cycle 45; plus strand). Cytogenetic location: 22q11.21.
Variant type: single nucleotide variant.
Coding change: c.454G>C on transcript NM_003504.5 (MANE Select); coding-DNA position 454, G replaced by C.
Protein change: p.Glu152Gln; replaces glutamic acid 152 with glutamine.
Molecular consequence: missense variant. On other transcripts: non-coding transcript variant (1).
Genome position (GRCh38, 1-based): chr22:19,483,973, G>C. VCF-style: chr22-19483973-G-C. GRCh37 (hg19) VCF-style: chr22-19471496-G-C.
Other names: c.454G>C, p.Glu152Gln (NM_001178010.2); c.316G>C, p.Glu106Gln (NM_001178011.2); c.418G>C, p.Glu140Gln (NM_001369291.1); short protein forms E152Q, E106Q, E140Q.
Identifiers: ClinVar variation 2180890 (VCV002180890.4), dbSNP rs1362818123, ClinGen allele CA410680169.

ClinVar aggregate classification (germline): Uncertain significance (1 of 4 stars; one submission).

Allele frequency attached by ClinVar (database versions not stated): gnomAD exomes below 0.00001; TOPMed below 0.00001; gnomAD 0.00001.
gnomAD v4.1: 4 of 1,611,478 alleles (0.00025%); highest among the groups gnomAD compares: African/African-American, 0.0013%; no homozygotes.

Submission:

Labcorp Genetics (formerly Invitae), Labcorp
Classification: Uncertain significance. Last evaluated: 2022-03-26. Review status: criteria provided, single submitter. Criteria: Invitae Variant Classification Sherloc (09022015). Collection method: clinical testing. Allele origin: germline.
Comment: This sequence change replaces glutamic acid, which is acidic and polar, with glutamine, which is neutral and polar, at codon 152 of the CDC45 protein (p.Glu152Gln). This variant is not present in population databases (gnomAD no frequency). This variant has not been reported in the literature in individuals affected with CDC45-related conditions. Algorithms developed to predict the effect of missense changes on protein structure and function are either unavailable or do not agree on the potential impact of this missense change (SIFT: "Tolerated"; PolyPhen-2: "Possibly Damaging"; Align-GVGD: "Class C0"). In summary, the available evidence is currently insufficient to determine the role of this variant in disease. Therefore, it has been classified as a Variant of Uncertain Significance.